The following is an entry in ClinVar:

NM_001379200.1(TBX1):c.1046A>T (p.Glu349Val)

Gene: TBX1 (T-box transcription factor 1; plus strand). Cytogenetic location: 22q11.21.
Variant type: single nucleotide variant.
Coding change: c.1046A>T on transcript NM_001379200.1 (MANE Select); coding-DNA position 1046, A replaced by T.
Protein change: p.Glu349Val; replaces glutamic acid 349 with valine.
Molecular consequence: missense variant. On other transcripts: intron variant (2).
Genome position (GRCh38, 1-based): chr22:19,766,398, A>T. VCF-style: chr22-19766398-A-T. GRCh37 (hg19) VCF-style: chr22-19753921-A-T.
Other names: c.1019A>T, p.Glu340Val (NM_080647.1); c.1009+396A>T (NM_005992.1, NM_080646.2); short protein forms E340V, E349V.
Identifiers: ClinVar variation 572442 (VCV000572442.9), dbSNP rs751917634, ClinGen allele CA10102658.

ClinVar aggregate classification (germline): Uncertain significance (1 of 4 stars; one submission).

Conditions:
DiGeorge syndrome. Also called: Catch22; THIRD AND FOURTH PHARYNGEAL POUCH SYNDROME. Identifiers: Orphanet 567, MedGen C0012236, MONDO:0008564, OMIM 188400.

Allele frequency attached by ClinVar (database versions not stated): ExAC below 0.00001; gnomAD below 0.00001 and 0.00001; gnomAD exomes 0.00001; TOPMed 0.00001; 1000 Genomes Project 30x 0.00016.
gnomAD v4.1: 14 of 1,338,022 alleles (0.001%); highest among the groups gnomAD compares: South Asian, 0.023%; no homozygotes.

Submission:

Labcorp Genetics (formerly Invitae), Labcorp
Classification: Uncertain significance for DiGeorge syndrome. Last evaluated: 2024-01-11. Review status: criteria provided, single submitter. Criteria: Invitae Variant Classification Sherloc (09022015). Collection method: clinical testing. Allele origin: germline.
Comment: This sequence change replaces glutamic acid, which is acidic and polar, with valine, which is neutral and non-polar, at codon 340 of the TBX1 protein (p.Glu340Val). This variant is present in population databases (rs751917634, gnomAD 0.01%). This variant has not been reported in the literature in individuals affected with TBX1-related conditions. ClinVar contains an entry for this variant (Variation ID: 572442). An algorithm developed to predict the effect of missense changes on protein structure and function (PolyPhen-2) suggests that this variant is likely to be tolerated. In summary, the available evidence is currently insufficient to determine the role of this variant in disease. Therefore, it has been classified as a Variant of Uncertain Significance.